The following is an entry in ClinVar:

NM_002528.7(NTHL1):c.145C>A (p.Arg49Ser)

Gene: NTHL1 (nth like DNA glycosylase 1; minus strand). Cytogenetic location: 16p13.3.
Variant type: single nucleotide variant.
Coding change: c.145C>A on transcript NM_002528.7 (MANE Select); coding-DNA position 145, C replaced by A.
Protein change: p.Arg49Ser; replaces arginine 49 with serine.
Molecular consequence: missense variant. On other transcripts: 5 prime UTR variant (1).
Genome position (GRCh38, 1-based): chr16:2,046,337, G>T on the plus strand (C>A on the coding strand, the complement: NTHL1 is on the minus strand). VCF-style: chr16-2046337-G-T. GRCh37 (hg19) VCF-style: chr16-2096338-G-T.
Other names: c.145C>A, p.Arg49Ser (NM_001318193.2); c.-34C>A (NM_001318194.2); short protein forms R49S.
Identifiers: ClinVar variation 3729173 (VCV003729173.2).

ClinVar aggregate classification (germline): Uncertain significance (1 of 4 stars; one submission).

Submission:

Labcorp Genetics (formerly Invitae), Labcorp
Classification: Uncertain significance. Last evaluated: 2025-01-19. Review status: criteria provided, single submitter. Criteria: Invitae Variant Classification Sherloc (09022015). Collection method: clinical testing. Allele origin: germline.
Comment: This sequence change replaces arginine, which is basic and polar, with serine, which is neutral and polar, at codon 57 of the NTHL1 protein (p.Arg57Ser). This variant is not present in population databases (gnomAD no frequency). This variant has not been reported in the literature in individuals affected with NTHL1-related conditions. An algorithm developed to predict the effect of missense changes on protein structure and function (PolyPhen-2) suggests that this variant is likely to be tolerated. In summary, the available evidence is currently insufficient to determine the role of this variant in disease. Therefore, it has been classified as a Variant of Uncertain Significance.